The following is an entry in ClinVar:

ClinVar aggregate classification (germline): Benign (1 of 4 stars; one submission).

Conditions:
Joubert syndrome 17 (JBTS17). Identifiers: Orphanet 475, MedGen C3553264, MONDO:0013824, OMIM 614615.

Allele frequency attached by ClinVar (database versions not stated): gnomAD exomes 0.00403; gnomAD 0.01733 and 0.01809; 1000 Genomes Project 0.01937; TOPMed 0.01980; 1000 Genomes Project 30x 0.02186.
gnomAD v4.1: 6,048 of 985,276 alleles (0.61%); highest among the groups gnomAD compares: African/African-American, 5.4%; 88 homozygotes.

Submission:

Illumina Laboratory Services, Illumina
Classification: Benign for Joubert syndrome 17. Last evaluated: 2018-01-13. Review status: criteria provided, single submitter. Criteria: ICSL Variant Classification Criteria 13 December 2019. Collection method: clinical testing. Allele origin: germline.
Comment: This variant was observed in the ICSL laboratory as part of a predisposition screen in an ostensibly healthy population. It had not been previously curated by ICSL or reported in the Human Gene Mutation Database (HGMD: prior to June 1st, 2018), and was therefore a candidate for classification through an automated scoring system. Utilizing variant allele frequency, disease prevalence and penetrance estimates, and inheritance mode, an automated score was calculated to assess if this variant is too frequent to cause the disease. Based on the score and internal cut-off values, a variant classified as benign is not then subjected to further curation. The score for this variant resulted in a classification of benign for this disease.

NM_001384732.1(CPLANE1):c.*641C>T

Gene: CPLANE1 (ciliogenesis and planar polarity effector complex subunit 1; minus strand). Cytogenetic location: 5p13.2.
Variant type: single nucleotide variant.
Coding change: c.*641C>T on transcript NM_001384732.1 (MANE Select); 641 bases downstream of the stop codon, C replaced by T.
Molecular consequence: 3 prime UTR variant.
Genome position (GRCh38, 1-based): chr5:37,106,961, G>A on the plus strand (C>T on the coding strand, the complement: CPLANE1 is on the minus strand). VCF-style: chr5-37106961-G-A. GRCh37 (hg19) VCF-style: chr5-37107063-G-A.
Other names: c.*641C>T (NM_023073.4).
Identifiers: ClinVar variation 353406 (VCV000353406.5), dbSNP rs116744214, ClinGen allele CA10620357.